The following is an entry in ClinVar:

ClinVar aggregate classification (germline): Uncertain significance (1 of 4 stars; one submission).

Submission:

Labcorp Genetics (formerly Invitae), Labcorp
Classification: Uncertain significance. Last evaluated: 2024-11-15. Review status: criteria provided, single submitter. Criteria: Invitae Variant Classification Sherloc (09022015). Collection method: clinical testing. Allele origin: germline.
Comment: This sequence change falls in intron 7 of the IRF9 gene. It does not directly change the encoded amino acid sequence of the IRF9 protein. It affects a nucleotide within the consensus splice site. This variant is not present in population databases (gnomAD no frequency). This variant has not been reported in the literature in individuals affected with IRF9-related conditions. Variants that disrupt the consensus splice site are a relatively common cause of aberrant splicing (PMID: 17576681, 9536098). Algorithms developed to predict the effect of sequence changes on RNA splicing suggest that this variant may disrupt the consensus splice site. In summary, the available evidence is currently insufficient to determine the role of this variant in disease. Therefore, it has been classified as a Variant of Uncertain Significance.

Literature cited by the submitters: PubMed 17576681; PubMed 9536098.

NM_006084.5(IRF9):c.991+5G>A

Gene: IRF9 (interferon regulatory factor 9; plus strand). Cytogenetic location: 14q12.
Variant type: single nucleotide variant.
Coding change: c.991+5G>A on transcript NM_006084.5 (MANE Select); 5 bases into the intron after coding-DNA position 991, G replaced by A.
Molecular consequence: intron variant.
Genome position (GRCh38, 1-based): chr14:24,164,960, G>A. VCF-style: chr14-24164960-G-A. GRCh37 (hg19) VCF-style: chr14-24634169-G-A.
Other names: c.1018+5G>A (NM_001385400.1, NM_001385401.1); c.728+5G>A (NM_001385402.1).
Identifiers: ClinVar variation 3696104 (VCV003696104.2).